The following is an entry in ClinVar:

ClinVar aggregate classification (germline): Uncertain significance (1 of 4 stars; one submission).

Submission:

GeneDx
Classification: Uncertain significance. Last evaluated: 2019-02-25. Review status: criteria provided, single submitter. Criteria: GeneDx Variant Classification Process June 2021. Collection method: clinical testing. Allele origin: germline. Affected: yes.
Comment: Has not been previously published as pathogenic or benign to our knowledge; Not observed in large population cohorts (Lek et al., 2016); In silico analysis, which includes protein predictors and evolutionary conservation, supports a deleterious effect

NM_015215.4(CAMTA1):c.4937T>G (p.Phe1646Cys)

Gene: CAMTA1 (calmodulin binding transcription activator 1; plus strand). Cytogenetic location: 1p36.23.
Variant type: single nucleotide variant.
Coding change: c.4937T>G on transcript NM_015215.4 (MANE Select); coding-DNA position 4937, T replaced by G.
Protein change: p.Phe1646Cys; replaces phenylalanine 1646 with cysteine.
Molecular consequence: missense variant.
Genome position (GRCh38, 1-based): chr1:7,752,512, T>G. VCF-style: chr1-7752512-T-G. GRCh37 (hg19) VCF-style: chr1-7812572-T-G.
Other names: c.4847T>G, p.Phe1616Cys (NM_001349608.2); c.4619T>G, p.Phe1540Cys (NM_001349609.2); c.4613T>G, p.Phe1538Cys (NM_001349610.2); c.4529T>G, p.Phe1510Cys (NM_001349612.2); c.2066T>G, p.Phe689Cys (NM_001349613.1); c.2030T>G, p.Phe677Cys (NM_001349614.1, NM_001349615.2, NM_001349616.2); c.2009T>G, p.Phe670Cys (NM_001349617.1, NM_001349618.2); c.1691T>G, p.Phe564Cys (NM_001349619.2, NM_001349620.1, NM_001349621.1 and 1 more transcripts); and 1 more; short protein forms F1510C, F1538C, F1540C, F1616C, F1646C, F557C, F564C, F670C.
Identifiers: ClinVar variation 1305490 (VCV001305490.2), dbSNP rs2150174866, ClinGen allele CA338145475.